The following is an entry in ClinVar:

ClinVar aggregate classification (germline): Pathogenic (1 of 4 stars; one submission).

Conditions:
Joubert syndrome 9 (JBTS9). Identifiers: Orphanet 2318, MedGen C2676788, MONDO:0012849, OMIM 612285.

Submission:

3billion
Classification: Pathogenic for Joubert syndrome 9. Last evaluated: 2025-12-04. Review status: criteria provided, single submitter. Criteria: ACMG Guidelines, 2015. Collection method: clinical testing. Allele origin: germline. Affected: yes.
Comment: The variant is not observed in the gnomAD v4.1.0 dataset. Predicted Consequence/Location: Canonical splice site: predicted to alter splicing and result in a loss or disruption of normal protein function. Multiple pathogenic loss-of-function variants are reported downstream of the variant. In silico tools predict the variant to alter splicing and produce an abnormal transcript [SpliceAI: 0.99 (spliceogenicity >=0.2, non-spliceogenicity <0.1)]. The variant has been reported to be associated with CC2D2A-related disorder (3billion dataset). Therefore, this variant is classified as Pathogenic according to the recommendation of ACMG/AMP guideline.

NM_001378615.1(CC2D2A):c.4314+1G>A

Genes: CC2D2A (coiled-coil and C2 domain containing 2A; plus strand), FBXL5 (F-box and leucine rich repeat protein 5; minus strand). Cytogenetic location: 4p15.32.
Variant type: single nucleotide variant.
Coding change: c.4314+1G>A on transcript NM_001378615.1 (MANE Select); the canonical splice donor site of the intron after coding-DNA position 4314, G replaced by A.
Molecular consequence: splice donor variant.
Genome position (GRCh38, 1-based): chr4:15,589,680, G>A. VCF-style: chr4-15589680-G-A. GRCh37 (hg19) VCF-style: chr4-15591303-G-A.
Other names: c.4314+1G>A (NM_001080522.2); c.4167+1G>A (NM_001378617.1).
Identifiers: ClinVar variation 4854076 (VCV004854076.1).